The following is an entry in ClinVar:

NM_000363.5(TNNI3):c.175C>G (p.Gln59Glu)

Gene: TNNI3 (troponin I3, cardiac type; minus strand). Cytogenetic location: 19q13.42.
Variant type: single nucleotide variant.
Coding change: c.175C>G on transcript NM_000363.5 (MANE Select); coding-DNA position 175, C replaced by G.
Protein change: p.Gln59Glu; replaces glutamine 59 with glutamic acid.
Molecular consequence: missense variant.
Genome position (GRCh38, 1-based): chr19:55,156,308, G>C on the plus strand (C>G on the coding strand, the complement: TNNI3 is on the minus strand). VCF-style: chr19-55156308-G-C. GRCh37 (hg19) VCF-style: chr19-55667676-G-C.
Other names: short protein forms Q59E.
Identifiers: ClinVar variation 922493 (VCV000922493.5), dbSNP rs2085729446, ClinGen allele CA407441982.

ClinVar aggregate classification (germline): Uncertain significance (1 of 4 stars; one submission).

Conditions:
Cardiomyopathy (CMYO). Also called: Cardiomyopathies. Identifiers: Orphanet 167848, MedGen C0878544, MONDO:0004994, HP:0001638. Inheritance: Various modes of inheritance.

Allele frequency attached by ClinVar (database versions not stated): gnomAD exomes below 0.00001.
gnomAD v4.1: 3 of 1,610,194 alleles (0.00019%); highest among the groups gnomAD compares: Non-Finnish European, 0.00025%; no homozygotes.

Submission:

Color Diagnostics, LLC DBA Color Health
Classification: Uncertain significance for Cardiomyopathy. Last evaluated: 2023-12-04. Review status: criteria provided, single submitter. Criteria: ACMG Guidelines, 2015. Collection method: clinical testing. Allele origin: germline.
Comment: Variant of Uncertain Significance due to insufficient evidence: This missense variant replaces glutamine with glutamic acid at codon 59 of the TNNI3 protein. Computational prediction tools and conservation analyses are inconclusive regarding the impact of this variant on the protein function. Computational splicing tools suggest that this variant may not impact RNA splicing. To our knowledge, functional assays have not been performed for this variant nor has this variant been reported in individuals affected with cardiovascular disorders in the literature. This variant is rare in the general population and has been identified in 0/277264 chromosomes by the Genome Aggregation Database (gnomAD). Available evidence is insufficient to determine the role of this variant in disease conclusively.